The following is an entry in ClinVar:

NM_001161352.2(KCNMA1):c.1713G>A (p.Met571Ile)

Gene: KCNMA1 (potassium calcium-activated channel subfamily M alpha 1; minus strand). Cytogenetic location: 10q22.3.
Variant type: single nucleotide variant.
Coding change: c.1713G>A on transcript NM_001161352.2 (MANE Select); coding-DNA position 1713, G replaced by A.
Protein change: p.Met571Ile; replaces methionine 571 with isoleucine.
Molecular consequence: missense variant.
Genome position (GRCh38, 1-based): chr10:77,073,133, C>T on the plus strand (G>A on the coding strand, the complement: KCNMA1 is on the minus strand). VCF-style: chr10-77073133-C-T. GRCh37 (hg19) VCF-style: chr10-78832891-C-T.
Other names: c.1713G>A, p.Met571Ile (NM_001014797.3, NM_001322829.2, NM_001322830.2 and 8 more transcripts); c.1551G>A, p.Met517Ile (NM_001271518.2); c.1173G>A, p.Met391Ile (NM_001322838.2); short protein forms M391I, M571I, M517I.
Identifiers: ClinVar variation 2842236 (VCV002842236.3), dbSNP rs2550658565, ClinGen allele CA377404746.

ClinVar aggregate classification (germline): Uncertain significance (1 of 4 stars; one submission).

Conditions:
Generalized epilepsy-paroxysmal dyskinesia syndrome (PNKD3). Also called: Generalized epilepsy and paroxysmal dyskinesia; Paroxysmal nonkinesigenic dyskinesia, 3, with or without generalized epilepsy. Identifiers: Orphanet 79137, MedGen C5574945, MONDO:0012276, OMIM 609446.

Submission:

Labcorp Genetics (formerly Invitae), Labcorp
Classification: Uncertain significance for Generalized epilepsy-paroxysmal dyskinesia syndrome. Last evaluated: 2023-07-13. Review status: criteria provided, single submitter. Criteria: Invitae Variant Classification Sherloc (09022015). Collection method: clinical testing. Allele origin: germline.
Comment: This sequence change replaces methionine, which is neutral and non-polar, with isoleucine, which is neutral and non-polar, at codon 571 of the KCNMA1 protein (p.Met571Ile). This variant is not present in population databases (gnomAD no frequency). This variant has not been reported in the literature in individuals affected with KCNMA1-related conditions. Advanced modeling of protein sequence and biophysical properties (such as structural, functional, and spatial information, amino acid conservation, physicochemical variation, residue mobility, and thermodynamic stability) performed at Invitae indicates that this missense variant is not expected to disrupt KCNMA1 protein function. In summary, the available evidence is currently insufficient to determine the role of this variant in disease. Therefore, it has been classified as a Variant of Uncertain Significance.